The following is an entry in ClinVar:

NM_001848.3(COL6A1):c.1052T>G (p.Phe351Cys)

Gene: COL6A1 (collagen type VI alpha 1 chain; plus strand). Cytogenetic location: 21q22.3.
Variant type: single nucleotide variant.
Coding change: c.1052T>G on transcript NM_001848.3 (MANE Select); coding-DNA position 1052, T replaced by G.
Protein change: p.Phe351Cys; replaces phenylalanine 351 with cysteine.
Molecular consequence: missense variant.
Genome position (GRCh38, 1-based): chr21:45,990,822, T>G. VCF-style: chr21-45990822-T-G. GRCh37 (hg19) VCF-style: chr21-47410736-T-G.
Other names: short protein forms F351C.
Identifiers: ClinVar variation 3619542 (VCV003619542.2).

ClinVar aggregate classification (germline): Uncertain significance (1 of 4 stars; one submission).

Conditions:
Bethlem myopathy 1A. Also called: Bethlem myopathy 1; MYOPATHY, BENIGN CONGENITAL, WITH CONTRACTURES; Bethlem Muscular Dystrophy. Identifiers: Orphanet 610, MedGen CN029274, MONDO:0024530, OMIM 158810.

Submission:

Labcorp Genetics (formerly Invitae), Labcorp
Classification: Uncertain significance for Bethlem myopathy 1A. Last evaluated: 2025-12-20. Review status: criteria provided, single submitter. Criteria: Invitae Variant Classification Sherloc (09022015). Collection method: clinical testing. Allele origin: germline.
Comment: This sequence change replaces phenylalanine, which is neutral and non-polar, with cysteine, which is neutral and slightly polar, at codon 351 of the COL6A1 protein (p.Phe351Cys). This variant is not present in population databases (gnomAD no frequency). This variant has not been reported in the literature in individuals affected with COL6A1-related conditions. ClinVar contains an entry for this variant (Variation ID: 3619542). Invitae Evidence Modeling of protein sequence and biophysical properties (such as structural, functional, and spatial information, amino acid conservation, physicochemical variation, residue mobility, and thermodynamic stability) indicates that this missense variant is expected to disrupt COL6A1 protein function with a positive predictive value of 80%. In summary, the available evidence is currently insufficient to determine the role of this variant in disease. Therefore, it has been classified as a Variant of Uncertain Significance.